The following is an entry in ClinVar:

NM_000321.3(RB1):c.485del (p.Phe162fs)

Gene: RB1 (RB transcriptional corepressor 1; plus strand). Cytogenetic location: 13q14.2.
Variant type: Deletion.
Coding change: c.485del on transcript NM_000321.3 (MANE Select); coding-DNA position 485, one base deleted (T; older notation c.485delT).
Protein change: p.Phe162fs; shifts the reading frame from phenylalanine 162.
Molecular consequence: frameshift variant.
Genome position (GRCh38, 1-based): chr13:48,345,184, T deleted; the last of 2 consecutive T bases (chr13:48,345,183-48,345,184); deleting either gives the same sequence. VCF-style (leftmost placement, unchanged base first): chr13-48345182-CT-C. GRCh37 (hg19) VCF-style: chr13-48919318-CT-C.
Other names: c.485del, p.Phe162fs (NM_001407165.1, NM_001407166.1); short protein forms F162fs.
Identifiers: ClinVar variation 3237131 (VCV003237131.1), dbSNP rs2542159538.

ClinVar aggregate classification (germline): Pathogenic (1 of 4 stars; one submission).

Conditions:
Retinoblastoma (RB1). Also called: RETINOBLASTOMA, SOMATIC. Identifiers: Orphanet 790, MedGen C0035335, MeSH D012175, MONDO:0008380, OMIM 180200, HP:0009919. Disease mechanism: loss of function. Inheritance: Both sporadic and heritable forms are tested..

Submission:

Genetic Diagnostic Laboratory, University of Pennsylvania School of Medicine
Classification: Pathogenic for Retinoblastoma. Last evaluated: 2024-05-20. Review status: criteria provided, single submitter. Criteria: ACMG Guidelines, 2015. Collection method: clinical testing. Allele origin: germline. Affected: yes. Observed: 1 variant allele.
Comment: Case and Pedigree Information: BILATERAL CASES:1, UNILATERAL CASES:0, TOTAL CASES:1, PEDIGREES:1. ACMG Codes Applied:PVS1, PM2